The following is an entry in ClinVar:

NM_000541.5(SAG):c.371T>G (p.Leu124Arg)

Gene: SAG (S-antigen visual arrestin; plus strand). Cytogenetic location: 2q37.1.
Variant type: single nucleotide variant.
Coding change: c.371T>G on transcript NM_000541.5 (MANE Select); coding-DNA position 371, T replaced by G.
Protein change: p.Leu124Arg; replaces leucine 124 with arginine.
Molecular consequence: missense variant.
Genome position (GRCh38, 1-based): chr2:233,320,819, T>G. VCF-style: chr2-233320819-T-G. GRCh37 (hg19) VCF-style: chr2-234229465-T-G.
Other names: short protein forms L124R.
Identifiers: ClinVar variation 3683048 (VCV003683048.2).

ClinVar aggregate classification (germline): Uncertain significance (1 of 4 stars; one submission).

Submission:

Labcorp Genetics (formerly Invitae), Labcorp
Classification: Uncertain significance. Last evaluated: 2024-09-27. Review status: criteria provided, single submitter. Criteria: Invitae Variant Classification Sherloc (09022015). Collection method: clinical testing. Allele origin: germline.
Comment: This sequence change replaces leucine, which is neutral and non-polar, with arginine, which is basic and polar, at codon 124 of the SAG protein (p.Leu124Arg). This variant is not present in population databases (gnomAD no frequency). This variant has not been reported in the literature in individuals affected with SAG-related conditions. Invitae Evidence Modeling of protein sequence and biophysical properties (such as structural, functional, and spatial information, amino acid conservation, physicochemical variation, residue mobility, and thermodynamic stability) indicates that this missense variant is not expected to disrupt SAG protein function with a negative predictive value of 80%. In summary, the available evidence is currently insufficient to determine the role of this variant in disease. Therefore, it has been classified as a Variant of Uncertain Significance.